The following is an entry in ClinVar:

NM_004984.4(KIF5A):c.2175G>C (p.Gln725His)

Gene: KIF5A (kinesin family member 5A; plus strand). Cytogenetic location: 12q13.3.
Variant type: single nucleotide variant.
Coding change: c.2175G>C on transcript NM_004984.4 (MANE Select); coding-DNA position 2175, G replaced by C.
Protein change: p.Gln725His; replaces glutamine 725 with histidine.
Molecular consequence: missense variant.
Genome position (GRCh38, 1-based): chr12:57,576,355, G>C. VCF-style: chr12-57576355-G-C. GRCh37 (hg19) VCF-style: chr12-57970138-G-C.
Other names: c.1908G>C, p.Gln636His (NM_001354705.2); c.2175G>C (NM_004984.2); short protein forms Q636H, Q725H.
Identifiers: ClinVar variation 1805355 (VCV001805355.7), dbSNP rs948053969, ClinGen allele CA237787414.

ClinVar aggregate classification (germline): Uncertain significance. Review status: criteria provided, multiple submitters, no conflicts (2 of 4 stars). 3 submissions from 3 submitters: Uncertain significance (3). Last evaluated 2026-01-02.

Conditions:
KIF5A-related disorder. Also called: KIF5A-related condition; KIF5A-related disorders.
Spastic paraplegia. Identifiers: MedGen C0037772, HP:0001258.
Hereditary spastic paraplegia 10 (SPG10). Also called: SPASTIC PARAPLEGIA 10 WITH PERIPHERAL NEUROPATHY; SPASTIC PARAPLEGIA 10 WITH OR WITHOUT PERIPHERAL NEUROPATHY; SPASTIC PARAPLEGIA 10, AUTOSOMAL DOMINANT. Identifiers: Orphanet 100991, MedGen C1858712, MONDO:0011408, OMIM 604187.

Allele frequency attached by ClinVar (database versions not stated): gnomAD 0.00001; TOPMed 0.00001.
gnomAD v4.1: 25 of 1,613,850 alleles (0.0015%); highest among the groups gnomAD compares: Non-Finnish European, 0.0019%; no homozygotes.

Submissions (3):

PreventionGenetics, part of Exact Sciences
Classification: Uncertain significance for KIF5A-related condition. Last evaluated: 2026-01-02. Review status: criteria provided, single submitter. Criteria: ACMG Guidelines, 2015. Collection method: clinical testing. Allele origin: germline.
Comment: The KIF5A c.2175G>C variant is predicted to result in the amino acid substitution p.Gln725His. To our knowledge, this variant has not been reported in the literature. This variant is reported in 0.00088% of alleles in individuals of European (Non-Finnish) descent in gnomAD. At this time, the clinical significance of this variant is uncertain due to the absence of conclusive functional and genetic evidence.

Labcorp Genetics (formerly Invitae), Labcorp
Classification: Uncertain significance for Spastic paraplegia. Last evaluated: 2025-09-22. Review status: criteria provided, single submitter. Criteria: Invitae Variant Classification Sherloc (09022015). Collection method: clinical testing. Allele origin: germline.
Comment: This sequence change replaces glutamine, which is neutral and polar, with histidine, which is basic and polar, at codon 725 of the KIF5A protein (p.Gln725His). This variant is present in population databases (no rsID available, gnomAD 0.0009%). This variant has not been reported in the literature in individuals affected with KIF5A-related conditions. ClinVar contains an entry for this variant (Variation ID: 1805355). Invitae Evidence Modeling of protein sequence and biophysical properties (such as structural, functional, and spatial information, amino acid conservation, physicochemical variation, residue mobility, and thermodynamic stability) indicates that this missense variant is not expected to disrupt KIF5A protein function with a negative predictive value of 95%. In summary, the available evidence is currently insufficient to determine the role of this variant in disease. Therefore, it has been classified as a Variant of Uncertain Significance.

Victorian Clinical Genetics Services, Murdoch Childrens Research Institute
Classification: Uncertain significance for Hereditary spastic paraplegia 10. Last evaluated: 2020-05-01. Review status: criteria provided, single submitter. Criteria: ACMG Guidelines, 2015. Collection method: clinical testing. Allele origin: germline. Inheritance: Autosomal dominant inheritance. Affected: yes.
Comment: A heterozygous missense variant was identified, NM_004984.3(KIF5A):c.2175G>C in exon 19 of 29 of the KIF5A gene. This substitution is predicted to create a minor amino acid change from a glutamine to a histidine at position 725 of the protein, NP_004975.2 (KIF5A):p.(Gln725His). The glutamine at this position has moderate conservation (100 vertebrates, UCSC), and is located within the coiled-coil functional domain. In silico software predictions of the pathogenicity of this variant are conflicting (Polyphen, SIFT, CADD, Mutation Taster). The variant is present in the gnomAD population database at a frequency of 0.0004% (1 heterozygote, 0 homozygotes). The variant has not been previously reported in clinical cases. A different variant in the same codon resulting in a change to a proline, p.(Gln725Pro), was previously reported as a VUS (ClinVar). Based on information available at the time of curation, this variant has been classified as a VARIANT of UNCERTAIN SIGNIFICANCE (VUS).